The following is an entry in ClinVar:

ClinVar aggregate classification (germline): Uncertain significance (1 of 4 stars; one submission).

Conditions:
Hereditary spastic paraplegia 28. Also called: Spastic paraplegia 28, autosomal recessive. Identifiers: Orphanet 101008, MedGen C1836295, MONDO:0012256, OMIM 609340.

Submission:

Labcorp Genetics (formerly Invitae), Labcorp
Classification: Uncertain significance for Hereditary spastic paraplegia 28. Last evaluated: 2025-05-30. Review status: criteria provided, single submitter. Criteria: Invitae Variant Classification Sherloc (09022015). Collection method: clinical testing. Allele origin: germline.
Comment: This sequence change replaces alanine, which is neutral and non-polar, with threonine, which is neutral and polar, at codon 872 of the DDHD1 protein (p.Ala872Thr). This variant is not present in population databases (gnomAD no frequency). This variant has not been reported in the literature in individuals affected with DDHD1-related conditions. An algorithm developed to predict the effect of missense changes on protein structure and function outputs the following: PolyPhen-2: "Benign". The threonine amino acid residue is found in multiple mammalian species, which suggests that this missense change does not adversely affect protein function. In summary, the available evidence is currently insufficient to determine the role of this variant in disease. Therefore, it has been classified as a Variant of Uncertain Significance.

NM_001160148.2(DDHD1):c.2677G>A (p.Ala893Thr)

Gene: DDHD1 (DDHD domain containing 1; minus strand). Cytogenetic location: 14q22.1.
Variant type: single nucleotide variant.
Coding change: c.2677G>A on transcript NM_001160148.2 (MANE Select); coding-DNA position 2677, G replaced by A.
Protein change: p.Ala893Thr; replaces alanine 893 with threonine.
Molecular consequence: missense variant.
Genome position (GRCh38, 1-based): chr14:53,046,794, C>T on the plus strand (G>A on the coding strand, the complement: DDHD1 is on the minus strand). VCF-style: chr14-53046794-C-T. GRCh37 (hg19) VCF-style: chr14-53513512-C-T.
Other names: c.2614G>A, p.Ala872Thr (NM_001160147.2); c.2593G>A, p.Ala865Thr (NM_030637.3); short protein forms A872T, A865T, A893T.
Identifiers: ClinVar variation 4720284 (VCV004720284.1).